The following is an entry in ClinVar:

NM_001098.3(ACO2):c.487G>T (p.Val163Leu)

Gene: ACO2 (aconitase 2; plus strand). Cytogenetic location: 22q13.2.
Variant type: single nucleotide variant.
Coding change: c.487G>T on transcript NM_001098.3 (MANE Select); coding-DNA position 487, G replaced by T.
Protein change: p.Val163Leu; replaces valine 163 with leucine.
Molecular consequence: missense variant.
Genome position (GRCh38, 1-based): chr22:41,511,930, G>T. VCF-style: chr22-41511930-G-T. GRCh37 (hg19) VCF-style: chr22-41907934-G-T.
Other names: p.V163L:GTG>TTG; p.Val163Leu; short protein forms V163L.
Identifiers: ClinVar variation 214016 (VCV000214016.14), dbSNP rs759920667, ClinGen allele CA323887.
Genomic context (GRCh38, chr22:41,511,930, plus strand): 5'-CAATAGGACATCAACCAGGAAGTTTATAATTTCCTGGCAACTGCAGGTGCCAAATATGGC[G>T]TGGGCTTCTGGAAGCCTGGATCTGGAATCATTCACCAGGTAAAGCTGGGCTCAGTCTGCC-3'
Protein context (NP_001089.1, residues 153-173): FLATAGAKYG[Val163Leu]GFWKPGSGII

ClinVar aggregate classification (germline): Uncertain significance. Review status: criteria provided, multiple submitters, no conflicts (2 of 4 stars). 6 submissions from 6 submitters: Uncertain significance (5). 1 of the submissions does not count toward it. Last evaluated 2025-11-13.

Conditions:
OPTIC ATROPHY 9, AUTOSOMAL RECESSIVE.
ACO2-related disorder. Also called: ACO2-Related Disorders.

Allele frequency attached by ClinVar (database versions not stated): TOPMed 0.00009.
gnomAD v4.1: 96 of 1,611,234 alleles (0.006%); highest among the groups gnomAD compares: Admixed American, 0.025%; no homozygotes.

Submissions (6):

Labcorp Genetics (formerly Invitae), Labcorp
Classification: Uncertain significance. Last evaluated: 2025-11-13. Review status: criteria provided, single submitter. Criteria: Invitae Variant Classification Sherloc (09022015). Collection method: clinical testing. Allele origin: germline.
Comment: This sequence change replaces valine, which is neutral and non-polar, with leucine, which is neutral and non-polar, at codon 163 of the ACO2 protein (p.Val163Leu). This variant is present in population databases (rs759920667, gnomAD 0.2%). This missense change has been observed in individual(s) with optic atrophy (PMID: 32449285). ClinVar contains an entry for this variant (Variation ID: 214016). Invitae Evidence Modeling of protein sequence and biophysical properties (such as structural, functional, and spatial information, amino acid conservation, physicochemical variation, residue mobility, and thermodynamic stability) indicates that this missense variant is not expected to disrupt ACO2 protein function with a negative predictive value of 80%. In summary, the available evidence is currently insufficient to determine the role of this variant in disease. Therefore, it has been classified as a Variant of Uncertain Significance.

Mayo Clinic Laboratories, Mayo Clinic
Classification: Uncertain significance. Last evaluated: 2025-11-07. Review status: criteria provided, single submitter. Criteria: ACMG Guidelines, 2015. Collection method: clinical testing. Allele origin: germline. Observed: 1 variant allele.
Comment: PM2_supporting

GeneDx
Classification: Uncertain significance. Last evaluated: 2024-11-25. Review status: criteria provided, single submitter. Criteria: GeneDx Variant Classification Process June 2021. Collection method: clinical testing. Allele origin: germline. Affected: yes.
Comment: Identified in siblings with optic atrophy, myopia, and exotropia; these siblings were also heterozygous for another variant in ACO2 (PMID: 32449285); In silico analysis indicates that this missense variant does not alter protein structure/function; This variant is associated with the following publications: (PMID: 32449285)

Blueprint Genetics
Classification: Uncertain significance. Last evaluated: 2024-04-19. Review status: criteria provided, single submitter. Criteria: ACMG Guidelines, 2015. Collection method: clinical testing. Allele origin: germline.

PreventionGenetics, part of Exact Sciences
Classification: Uncertain significance for ACO2-related condition. Last evaluated: 2022-11-08. Review status: criteria provided, single submitter. Criteria: ACMG Guidelines, 2015. Collection method: clinical testing. Allele origin: germline.
Comment: The ACO2 c.487G>T variant is predicted to result in the amino acid substitution p.Val163Leu. This variant has been previously reported in the compound heterozygous state in two siblings with optic atrophy 9 (Gibson et al. 2020. PubMed ID: 32449285). This variant is reported in 0.20% of alleles in individuals of Ashkenazi Jewish descent in gnomAD. At this time, the clinical significance of this variant is uncertain due to the absence of conclusive functional and genetic evidence.

OMIM
Classification: Pathogenic for OPTIC ATROPHY 9, AUTOSOMAL RECESSIVE. Last evaluated: 2022-10-19. Review status: no assertion criteria provided. Collection method: literature only. Allele origin: germline. Not counted in ClinVar's aggregate classification.

Literature cited by the submitters: PubMed 32449285 (cited by 3 submitters).